The following is an entry in ClinVar:

ClinVar aggregate classification (germline): Benign. Review status: criteria provided, single submitter (1 of 4 stars). 2 submissions from 2 submitters: Benign (1). 1 of the submissions does not count toward it. Last evaluated 2026-01-14.

Conditions:
Muscular dystrophy-dystroglycanopathy type B6 (MDDGB6). Also called: MUSCULAR DYSTROPHY-DYSTROGLYCANOPATHY (CONGENITAL WITH IMPAIRED INTELLECTUAL DEVELOPMENT), TYPE B, 6; MUSCULAR DYSTROPHY, CONGENITAL, LARGE-RELATED; MUSCULAR DYSTROPHY, CONGENITAL, TYPE 1D. Identifiers: MedGen C1837229, MONDO:0012138, OMIM 608840.
LARGE1-related disorder. Also called: LARGE1-related condition.

Allele frequency attached by ClinVar (database versions not stated): gnomAD below 0.00001 and 0.00005; TOPMed 0.00003; gnomAD exomes 0.00008 and 0.00013; 1000 Genomes Project 30x 0.00016; ExAC 0.00016; 1000 Genomes Project 0.00020.
gnomAD v4.1: 123 of 1,614,080 alleles (0.0076%); highest among the groups gnomAD compares: South Asian, 0.13%; 2 homozygotes.

Submissions (2):

Labcorp Genetics (formerly Invitae), Labcorp
Classification: Benign for Muscular dystrophy-dystroglycanopathy type B6. Last evaluated: 2026-01-14. Review status: criteria provided, single submitter. Criteria: Invitae Variant Classification Sherloc (09022015). Collection method: clinical testing. Allele origin: germline.

PreventionGenetics, part of Exact Sciences
Classification: Likely benign for LARGE1-related condition. Last evaluated: 2019-09-19. Review status: no assertion criteria provided. Collection method: clinical testing. Allele origin: germline. Not counted in ClinVar's aggregate classification.
Comment: This variant is classified as likely benign based on ACMG/AMP sequence variant interpretation guidelines (Richards et al. 2015 PMID: 25741868, with internal and published modifications).

NM_133642.5(LARGE1):c.924G>A (p.Arg308=)

Gene: LARGE1 (LARGE xylosyl- and glucuronyltransferase 1; minus strand). Cytogenetic location: 22q12.3.
Variant type: single nucleotide variant.
Coding change: c.924G>A on transcript NM_133642.5 (MANE Select); coding-DNA position 924, G replaced by A.
Protein change: p.Arg308=; no amino-acid change (arginine 308 retained).
Molecular consequence: synonymous variant.
Genome position (GRCh38, 1-based): chr22:33,384,273, C>T on the plus strand (G>A on the coding strand, the complement: LARGE1 is on the minus strand). VCF-style: chr22-33384273-C-T. GRCh37 (hg19) VCF-style: chr22-33780259-C-T.
Other names: c.924G>A (NM_004737.5); c.924G>A, p.Arg308= (NM_001362949.2, NM_001362951.2, NM_001362953.2 and 7 more transcripts); c.321G>A, p.Arg107= (NM_001378630.1, NM_001378631.1).
Identifiers: ClinVar variation 464483 (VCV000464483.14), dbSNP rs528836583, ClinGen allele CA10202905.